The following is an entry in ClinVar:

ClinVar aggregate classification (germline): Uncertain significance. Review status: criteria provided, multiple submitters, no conflicts (2 of 4 stars). 2 submissions from 2 submitters: Uncertain significance (2). Last evaluated 2025-03-04.

Conditions:
Hereditary cancer-predisposing syndrome. Also called: Tumor predisposition; Hereditary neoplastic syndrome; Hereditary Cancer Syndrome; Neoplastic Syndromes, Hereditary. Identifiers: Orphanet 140162, MedGen C0027672, MeSH D009386, MONDO:0015356.

gnomAD v4.1: 1 of 1,599,464 alleles (0.000063%); highest among the groups gnomAD compares: Non-Finnish European, 0.000086%; no homozygotes.

Submissions (2):

Center for Genomic Medicine, Rigshospitalet, Copenhagen University Hospital
Classification: Uncertain significance. Last evaluated: 2025-03-04. Review status: criteria provided, single submitter. Criteria: ACMG Guidelines, 2015. Collection method: clinical testing. Allele origin: germline.

Color Diagnostics, LLC DBA Color Health
Classification: Uncertain significance for Hereditary cancer-predisposing syndrome. Last evaluated: 2020-06-10. Review status: criteria provided, single submitter. Criteria: ACMG Guidelines, 2015. Collection method: clinical testing. Allele origin: germline.
Comment: This variant causes a C to A nucleotide substitution at the -13 position of intron 8 of the BRCA1 gene. To our knowledge, functional studies have not been reported for this variant. This variant has not been reported in individuals affected with hereditary cancer in the literature. This variant has not been identified in the general population by the Genome Aggregation Database (gnomAD). The available evidence is insufficient to determine the role of this variant in disease conclusively. Therefore, this variant is classified as a Variant of Uncertain Significance.

NM_007294.4(BRCA1):c.594-13C>A

Gene: BRCA1 (BRCA1 DNA repair associated; minus strand). Cytogenetic location: 17q21.31.
Variant type: single nucleotide variant.
Coding change: c.594-13C>A on transcript NM_007294.4 (MANE Select); 13 bases into the intron before coding-DNA position 594, C replaced by A.
Molecular consequence: intron variant.
Genome position (GRCh38, 1-based): chr17:43,095,935, G>T on the plus strand (C>A on the coding strand, the complement: BRCA1 is on the minus strand). VCF-style: chr17-43095935-G-T. GRCh37 (hg19) VCF-style: chr17-41247952-G-T.
Other names: c.548-1075C>A (NM_001408439.1, NM_001408425.1, NM_001407681.1 and 34 more transcripts); c.594-13C>A (NM_001408419.1, NM_001408403.1, NM_001407983.1 and 58 more transcripts); c.167-1075C>A (NM_001407965.1, NM_001408512.1); c.404-1075C>A (NM_001407930.1, NM_001408504.1, NM_001407931.1 and 5 more transcripts); c.450-13C>A (NM_001407843.1, NM_001408465.1, NM_001408463.1 and 26 more transcripts); c.453-13C>A (NM_001408456.1, NM_001407733.1, NM_001407942.1 and 43 more transcripts); c.384-13C>A (NM_001408482.1, NM_001407900.1, NM_001408484.1 and 27 more transcripts); c.407-1075C>A (NM_001407920.1, NM_001408499.1, NM_001407933.1 and 15 more transcripts); and 17 more.
Identifiers: ClinVar variation 1171986 (VCV001171986.5), dbSNP rs2154515466, ClinGen allele CA2499224594.
Genomic context (GRCh38, chr17:43,095,935, plus strand): 5'-TCCCTGGTTCCTTGAGGGGTGATTTGTAACAATTCTTGATCTCCCACACTATAGGGAAAA[G>T]ACAGAGTCCTAATAAGAAACACTAGTTACATGTATGCAGAACTGTCAAATGACCAAGATC-3'